The following is an entry in ClinVar:

NM_000179.3(MSH6):c.3577G>T (p.Glu1193Ter)

Gene: MSH6 (mutS homolog 6; plus strand). Cytogenetic location: 2p16.3.
Variant type: single nucleotide variant.
Coding change: c.3577G>T on transcript NM_000179.3 (MANE Select); coding-DNA position 3577, G replaced by T.
Protein change: p.Glu1193Ter; replaces glutamic acid 1193 with a stop codon.
Molecular consequence: nonsense. On other transcripts: non-coding transcript variant (5).
Genome position (GRCh38, 1-based): chr2:47,805,638, G>T. VCF-style: chr2-47805638-G-T. GRCh37 (hg19) VCF-style: chr2-48032777-G-T.
Other names: c.3187G>T, p.Glu1063Ter (NM_001281492.2); c.2671G>T, p.Glu891Ter (NM_001281493.2, NM_001281494.2, NM_001406811.1 and 6 more transcripts); c.3673G>T, p.Glu1225Ter (NM_001406795.1, NM_001406802.1); c.3577G>T, p.Glu1193Ter (NM_001406796.1, NM_001406800.1, NM_001406808.1 and 1 more transcripts); c.3280G>T, p.Glu1094Ter (NM_001406797.1, NM_001406801.1, NM_001406805.1 and 10 more transcripts); c.3403G>T, p.Glu1135Ter (NM_001406798.1); c.3052G>T, p.Glu1018Ter (NM_001406799.1, NM_001406806.1, NM_001406807.1); c.2713G>T, p.Glu905Ter (NM_001406803.1); and 7 more; short protein forms E1018*, E1063*, E1094*, E1135*, E1137*, E1167*, E1193*, E1195*.
Identifiers: ClinVar variation 2673600 (VCV002673600.4), dbSNP rs63751328, ClinGen allele CA346760505.

ClinVar aggregate classification (germline): Pathogenic/Likely pathogenic. Review status: criteria provided, multiple submitters, no conflicts (2 of 4 stars). 4 submissions from 4 submitters: Pathogenic (2); Likely pathogenic (2). Last evaluated 2024-12-23.

Conditions:
Hereditary cancer-predisposing syndrome. Also called: Tumor predisposition; Hereditary neoplastic syndrome; Neoplastic Syndromes, Hereditary; Hereditary Cancer Syndrome. Identifiers: Orphanet 140162, MedGen C0027672, MeSH D009386, MONDO:0015356.
Lynch syndrome 5 (LYNCH5). Also called: Colorectal cancer, hereditary nonpolyposis, type 5; Hereditary non-polyposis colorectal cancer, type 5. Identifiers: Orphanet 144, MedGen C1833477, MONDO:0013710, OMIM 614350. Disease mechanism: loss of function.
Endometrial carcinoma. Also called: Endometrial carcinoma, somatic. Identifiers: MedGen C0476089, MONDO:0002447, OMIM 608089, HP:0012114.
Mismatch repair cancer syndrome 3. Identifiers: MedGen C5436807, MONDO:0030841, OMIM 619097.

Submissions (4):

Department of Pathology and Laboratory Medicine, Sinai Health System
Classification: Likely pathogenic for Endometrial carcinoma; Lynch syndrome 5; Mismatch repair cancer syndrome 3. Last evaluated: 2024-12-23. Review status: criteria provided, single submitter. Criteria: ACMG Guidelines, 2015. Collection method: clinical testing. Allele origin: germline.

Ambry Genetics
Classification: Pathogenic for Hereditary cancer-predisposing syndrome. Last evaluated: 2024-01-11. Review status: criteria provided, single submitter. Criteria: Ambry Variant Classification Scheme 2023. Collection method: clinical testing. Allele origin: germline.
Comment: The p.E1193* variant (also known as c.3577G>T), located in coding exon 7 of the MSH6 gene, results from a G to T substitution at nucleotide position 3577. This changes the amino acid from a glutamic acid to a stop codon within coding exon 7. This variant is considered to be rare based on population cohorts in the Genome Aggregation Database (gnomAD). This alteration is expected to result in loss of function by premature protein truncation or nonsense-mediated mRNA decay. As such, this alteration is interpreted as a disease-causing mutation.

Baylor Genetics
Classification: Likely pathogenic for Endometrial carcinoma. Last evaluated: 2023-08-28. Review status: criteria provided, single submitter. Criteria: ACMG Guidelines, 2015. Collection method: clinical testing. Allele origin: unknown.

Myriad Genetics, Inc.
Classification: Pathogenic for Lynch syndrome 5. Last evaluated: 2023-08-24. Review status: criteria provided, single submitter. Criteria: Myriad Autosomal Dominant, Autosomal Recessive and X-Linked Classification Criteria (2023). Collection method: clinical testing. Allele origin: unknown.
Comment: This variant is considered pathogenic. This variant creates a termination codon and is predicted to result in premature protein truncation.